The following is an entry in ClinVar:

ClinVar aggregate classification (germline): Uncertain significance. Review status: criteria provided, multiple submitters, no conflicts (2 of 4 stars). 2 submissions from 2 submitters: Uncertain significance (2). Last evaluated 2025-06-24.

Conditions:
Inborn genetic diseases. Identifiers: MedGen C0950123, MeSH D030342.

Allele frequency attached by ClinVar (database versions not stated): gnomAD 0.00002.
gnomAD v4.1: 68 of 1,587,062 alleles (0.0043%); highest among the groups gnomAD compares: South Asian, 0.061%; 2 homozygotes.

Submissions (2):

Ambry Genetics
Classification: Uncertain significance for Inborn genetic diseases. Last evaluated: 2025-06-24. Review status: criteria provided, single submitter. Criteria: Ambry Variant Classification Scheme 2023. Collection method: clinical testing. Allele origin: germline.

Labcorp Genetics (formerly Invitae), Labcorp
Classification: Uncertain significance. Last evaluated: 2022-01-15. Review status: criteria provided, single submitter. Criteria: Invitae Variant Classification Sherloc (09022015). Collection method: clinical testing. Allele origin: germline.
Comment: In summary, the available evidence is currently insufficient to determine the role of this variant in disease. Therefore, it has been classified as a Variant of Uncertain Significance. Algorithms developed to predict the effect of missense changes on protein structure and function are either unavailable or do not agree on the potential impact of this missense change (SIFT: "Deleterious"; PolyPhen-2: "Probably Damaging"; Align-GVGD: "Class C0"). This variant has not been reported in the literature in individuals affected with MPDZ-related conditions. This variant is present in population databases (rs745854560, gnomAD 0.06%). This sequence change replaces aspartic acid, which is acidic and polar, with asparagine, which is neutral and polar, at codon 2006 of the MPDZ protein (p.Asp2006Asn).

NM_001378778.1(MPDZ):c.6103G>A (p.Asp2035Asn)

Gene: MPDZ (multiple PDZ domain crumbs cell polarity complex component; minus strand). Cytogenetic location: 9p23.
Variant type: single nucleotide variant.
Coding change: c.6103G>A on transcript NM_001378778.1 (MANE Select); coding-DNA position 6103, G replaced by A.
Protein change: p.Asp2035Asn; replaces aspartic acid 2035 with asparagine.
Molecular consequence: missense variant.
Genome position (GRCh38, 1-based): chr9:13,107,075, C>T on the plus strand (G>A on the coding strand, the complement: MPDZ is on the minus strand). VCF-style: chr9-13107075-C-T. GRCh37 (hg19) VCF-style: chr9-13107074-C-T.
Other names: c.6004G>A, p.Asp2002Asn (NM_001375418.1, NM_001261406.2, NM_001375416.1 and 1 more transcripts); c.5917G>A, p.Asp1973Asn (NM_001375419.1, NM_001261407.2); c.5893G>A, p.Asp1965Asn (NM_001375420.1, NM_001375421.1, NM_001375422.1 and 2 more transcripts); c.5806G>A, p.Asp1936Asn (NM_001375425.1, NM_001375426.1); c.5695G>A, p.Asp1899Asn (NM_001375427.1); c.6016G>A, p.Asp2006Asn (NM_003829.5); c.6016G>A (NM_003829.3); c.6103G>A, p.Asp2035Asn (NM_001330637.2); and 1 more; short protein forms D1899N, D1936N, D1965N, D1973N, D2002N, D2006N, D2035N, D2068N.
Identifiers: ClinVar variation 2414269 (VCV002414269.5), dbSNP rs745854560, ClinGen allele CA4985951.